The following is an entry in ClinVar:

ClinVar aggregate classification (germline): Conflicting classifications of pathogenicity. Review status: criteria provided, conflicting classifications (1 of 4 stars). 2 submissions from 2 submitters: Likely pathogenic (1); Uncertain significance (1). Last evaluated 2025-03-04.

Conditions:
Ehlers-Danlos syndrome, classic type, 1 (EDSCL1). Also called: EHLERS-DANLOS SYNDROME, GRAVIS TYPE; EHLERS-DANLOS SYNDROME, SEVERE CLASSIC TYPE; Ehlers-Danlos syndrome, type 1; Ehlers-Danlos Syndrome, Classic Type, COL5A1-Related; EDS I. Identifiers: MedGen C0268335, MONDO:0019567, OMIM 130000.
Osteogenesis imperfecta type I (OI1). Also called: OI, TYPE I; OSTEOGENESIS IMPERFECTA TARDA; OSTEOGENESIS IMPERFECTA WITH BLUE SCLERAE; Osteogenesis imperfecta type 1; Lobstein's Disease; Lobstein disease. Identifiers: Orphanet 216796, Orphanet 666, MedGen C0023931, MONDO:0008146, OMIM 166200. Disease mechanism: loss of function.
Ehlers-Danlos syndrome, cardiac valvular type. Identifiers: Orphanet 230851, MedGen C4303789, MONDO:0009159, OMIM 225320.

gnomAD v4.1: 5 of 1,613,178 alleles (0.00031%); highest among the groups gnomAD compares: Non-Finnish European, 0.00042%; no homozygotes.

Submissions (2):

Women's Health and Genetics/Laboratory Corporation of America, LabCorp
Classification: Likely pathogenic for Ehlers-Danlos syndrome, cardiac valvular type. Last evaluated: 2025-03-04. Review status: criteria provided, single submitter. Criteria: LabCorp Variant Classification Summary - May 2015. Collection method: clinical testing. Allele origin: germline.
Comment: Variant summary: COL1A2 c.2882G>T (p.Gly961Val) results in a non-conservative amino acid change within the triple-helical region (UniProt) of the encoded protein sequence. This missense variant disrupts a critical glycine residue at position 1 of a Gly-X-Y repeat in the collagenous domain, and variants affecting these glycine residues are significantly enriched in individuals with COL1A2 related diseases (PMID: 2897363). Five of five in-silico tools predict a damaging effect of the variant on protein function. The variant allele was found at a frequency of 8.1e-06 in 248230 control chromosomes. To our knowledge, no occurrence of c.2882G>T in individuals affected with Ehlers-Danlos syndrome, cardiac valvular type and no experimental evidence demonstrating its impact on protein function have been reported. No submitters have cited clinical-significance assessments for this variant to ClinVar. Based on the evidence outlined above, the variant was classified as likely pathogenic.

Labcorp Genetics (formerly Invitae), Labcorp
Classification: Uncertain significance for Osteogenesis imperfecta type I; Ehlers-Danlos syndrome, classic type, 1. Last evaluated: 2024-05-08. Review status: criteria provided, single submitter. Criteria: Invitae Variant Classification Sherloc (09022015). Collection method: clinical testing. Allele origin: germline.
Comment: This sequence change replaces glycine, which is neutral and non-polar, with valine, which is neutral and non-polar, at codon 961 of the COL1A2 protein (p.Gly961Val). The frequency data for this variant in the population databases is considered unreliable, as metrics indicate poor data quality at this position in the gnomAD database. This variant has not been reported in the literature in individuals affected with COL1A2-related conditions. Advanced modeling of protein sequence and biophysical properties (such as structural, functional, and spatial information, amino acid conservation, physicochemical variation, residue mobility, and thermodynamic stability) performed at Invitae indicates that this missense variant is expected to disrupt COL1A2 protein function with a positive predictive value of 95%. This variant disrupts the triple helix domain of COL1A2. Glycine residues within the Gly-Xaa-Yaa repeats of the triple helix domain are required for the structure and stability of fibrillar collagens (PMID: 7695699, 8218237, 19344236). In COL1A2, variants affecting these glycine residues are significantly enriched in individuals with disease (PMID: 9016532, 17078022) compared to the general population (ExAC). In summary, the available evidence is currently insufficient to determine the role of this variant in disease. Therefore, it has been classified as a Variant of Uncertain Significance.

Literature cited by the submitters: PubMed 7695699 (cited by Labcorp Genetics (formerly Invitae), Labcorp); PubMed 8218237 (cited by Labcorp Genetics (formerly Invitae), Labcorp); PubMed 19344236 (cited by Labcorp Genetics (formerly Invitae), Labcorp); PubMed 9016532 (cited by Labcorp Genetics (formerly Invitae), Labcorp); PubMed 17078022 (cited by Labcorp Genetics (formerly Invitae), Labcorp).

NM_000089.4(COL1A2):c.2882G>T (p.Gly961Val)

Gene: COL1A2 (collagen type I alpha 2 chain; plus strand). Cytogenetic location: 7q21.3.
Variant type: single nucleotide variant.
Coding change: c.2882G>T on transcript NM_000089.4 (MANE Select); coding-DNA position 2882, G replaced by T.
Protein change: p.Gly961Val; replaces glycine 961 with valine.
Molecular consequence: missense variant.
Genome position (GRCh38, 1-based): chr7:94,425,796, G>T. VCF-style: chr7-94425796-G-T. GRCh37 (hg19) VCF-style: chr7-94055108-G-T.
Other names: short protein forms G961V.
Identifiers: ClinVar variation 3750665 (VCV003750665.3).